The following is an entry in ClinVar:

ClinVar aggregate classification (germline): Uncertain significance. Review status: criteria provided, multiple submitters, no conflicts (2 of 4 stars). 4 submissions from 4 submitters: Uncertain significance (4). Last evaluated 2025-03-26.

Conditions:
Autosomal recessive limb-girdle muscular dystrophy type 2W (MDRCMTT). Also called: Muscular dystrophy, autosomal recessive, with cardiomyopathy and triangular tongue; Muscular dystrophy, limb-girdle, type 2W. Identifiers: MedGen C4225192, MONDO:0014788, OMIM 616827.

Allele frequency attached by ClinVar (database versions not stated): ExAC 0.00003; TOPMed 0.00004; gnomAD 0.00006; gnomAD exomes 0.00006 and 0.00002.

Submissions (4):

Ambry Genetics
Classification: Uncertain significance. Last evaluated: 2025-03-26. Review status: criteria provided, single submitter. Criteria: Ambry Variant Classification Scheme 2023. Collection method: clinical testing. Allele origin: germline.

Labcorp Genetics (formerly Invitae), Labcorp
Classification: Uncertain significance for Autosomal recessive limb-girdle muscular dystrophy type 2W. Last evaluated: 2023-09-10. Review status: criteria provided, single submitter. Criteria: Invitae Variant Classification Sherloc (09022015). Collection method: clinical testing. Allele origin: germline.
Comment: This sequence change replaces arginine, which is basic and polar, with cysteine, which is neutral and slightly polar, at codon 108 of the LIMS2 protein (p.Arg108Cys). This variant is present in population databases (rs757640443, gnomAD 0.01%). This variant has not been reported in the literature in individuals affected with LIMS2-related conditions. ClinVar contains an entry for this variant (Variation ID: 574732). Advanced modeling of protein sequence and biophysical properties (such as structural, functional, and spatial information, amino acid conservation, physicochemical variation, residue mobility, and thermodynamic stability) performed at Invitae indicates that this missense variant is expected to disrupt LIMS2 protein function. In summary, the available evidence is currently insufficient to determine the role of this variant in disease. Therefore, it has been classified as a Variant of Uncertain Significance.

Blueprint Genetics
Classification: Uncertain significance. Last evaluated: 2020-11-06. Review status: criteria provided, single submitter. Criteria: ACMG Guidelines, 2015. Collection method: clinical testing. Allele origin: germline.

Revvity Omics, Revvity
Classification: Uncertain significance for Autosomal recessive limb-girdle muscular dystrophy type 2W. Last evaluated: 2020-08-27. Review status: criteria provided, single submitter. Criteria: ACMG Guidelines, 2015. Collection method: clinical testing. Allele origin: germline.

NM_001161403.3(LIMS2):c.256C>T (p.Arg86Cys)

Gene: LIMS2 (LIM zinc finger domain containing 2; minus strand). Cytogenetic location: 2q14.3.
Variant type: single nucleotide variant.
Coding change: c.256C>T on transcript NM_001161403.3 (MANE Select); coding-DNA position 256, C replaced by T.
Protein change: p.Arg86Cys; replaces arginine 86 with cysteine.
Molecular consequence: missense variant.
Genome position (GRCh38, 1-based): chr2:127,654,527, G>A on the plus strand (C>T on the coding strand, the complement: LIMS2 is on the minus strand). VCF-style: chr2-127654527-G-A. GRCh37 (hg19) VCF-style: chr2-128412101-G-A.
Other names: c.322C>T (NM_001136037.2); c.322C>T, p.Arg108Cys (NM_001136037.4); c.241C>T, p.Arg81Cys (NM_001161404.2); c.328C>T, p.Arg110Cys (NM_017980.5); short protein forms R110C, R81C, R108C, R86C.
Identifiers: ClinVar variation 574732 (VCV000574732.13), dbSNP rs757640443, ClinGen allele CA1863471.
Genomic context (GRCh38, chr2:127,654,527, plus strand): 5'-CACACAGCTCGCAGCGGAAGCAGCCCGGGTGCCAGTTGTTGTTCATGGCCTTGATGACGC[G>A]GCCAATGATGAACTCACCTGGAAGAAGACAGGTCCCTGCTGGCTGGGGAGCACGTGCCTG-3'
Protein context (NP_001154875.1, residues 76-96): CGSCGEFIIG[Arg86Cys]VIKAMNNNWH